The following is an entry in ClinVar:

NM_000552.5(VWF):c.1039G>A (p.Glu347Lys)

Gene: VWF (von Willebrand factor; minus strand). Cytogenetic location: 12p13.31.
Variant type: single nucleotide variant.
Coding change: c.1039G>A on transcript NM_000552.5 (MANE Select); coding-DNA position 1039, G replaced by A.
Protein change: p.Glu347Lys; replaces glutamic acid 347 with lysine.
Molecular consequence: missense variant.
Genome position (GRCh38, 1-based): chr12:6,072,401, C>T on the plus strand (G>A on the coding strand, the complement: VWF is on the minus strand). VCF-style: chr12-6072401-C-T. GRCh37 (hg19) VCF-style: chr12-6181567-C-T.
Other names: short protein forms E347K.
Identifiers: ClinVar variation 3902686 (VCV003902686.1).

ClinVar aggregate classification (germline): Uncertain significance (1 of 4 stars; one submission).

gnomAD v4.1: 20 of 1,614,006 alleles (0.0012%); highest among the groups gnomAD compares: South Asian, 0.0077%; no homozygotes.

Submission:

Women's Health and Genetics/Laboratory Corporation of America, LabCorp
Classification: Uncertain significance. Last evaluated: 2025-05-27. Review status: criteria provided, single submitter. Criteria: LabCorp Variant Classification Summary - May 2015. Collection method: clinical testing. Allele origin: germline.
Comment: Variant summary: VWF c.1039G>A (p.Glu347Lys) results in a conservative amino acid change in the encoded protein sequence. Algorithms developed to predict the effect of missense changes on protein structure and function are either unavailable or do not agree on the potential impact of this missense change. The variant allele was found at a frequency of 2.8e-05 in 251310 control chromosomes (gnomAD). The available data on variant occurrences in the general population are insufficient to allow any conclusion about variant significance. To our knowledge, no occurrence of c.1039G>A in individuals affected with Von Willebrand Disease and no experimental evidence demonstrating its impact on protein function have been reported. No submitters have cited clinical-significance assessments for this variant to ClinVar. Based on the evidence outlined above, the variant was classified as uncertain significance.